The following is an entry in ClinVar:

NM_017852.5(NLRP2):c.1407T>C (p.Asp469=)

Gene: NLRP2 (NLR family pyrin domain containing 2; plus strand). Cytogenetic location: 19q13.42.
Variant type: single nucleotide variant.
Coding change: c.1407T>C on transcript NM_017852.5 (MANE Select); coding-DNA position 1407, T replaced by C.
Protein change: p.Asp469=; no amino-acid change (aspartic acid 469 retained).
Molecular consequence: synonymous variant. On other transcripts: non-coding transcript variant (1).
Genome position (GRCh38, 1-based): chr19:54,983,105, T>C. VCF-style: chr19-54983105-T-C. GRCh37 (hg19) VCF-style: chr19-55494473-T-C.
Other names: c.1407T>C, p.Asp469= (NM_001174081.3); c.1341T>C, p.Asp447= (NM_001174082.3); c.1338T>C, p.Asp446= (NM_001174083.2); c.1398T>C, p.Asp466= (NM_001348003.2).
Identifiers: ClinVar variation 3048160 (VCV003048160.2), dbSNP rs1654491, ClinGen allele CA310104621.
Genomic context (GRCh38, chr19:54,983,105, plus strand): 5'-GCTGAGCCTCCTGGCCGCGCAGGGCCTGTGGGCGCAGACGTCCGTGCTTCACCGAGAGGA[T>C]CTGGAAAGGCTCGGGGTGCAGGAGTCCGACCTCCGTCTGTTCCTGGACGGAGACATCCTC-3'
Protein context (NP_060322.1, residues 459-479): WAQTSVLHRE[Asp469=]LERLGVQESD

ClinVar aggregate classification (germline): Likely benign (0 of 4 stars; one submission).

Conditions:
NLRP2-related disorder. Also called: NLRP2-related condition.

Allele frequency attached by ClinVar (database versions not stated): gnomAD 0.00008; ExAC 0.00003.

Submission:

PreventionGenetics, part of Exact Sciences
Classification: Likely benign for NLRP2-related condition. Last evaluated: 2020-07-01. Review status: no assertion criteria provided. Collection method: clinical testing. Allele origin: germline.
Comment: This variant is classified as likely benign based on ACMG/AMP sequence variant interpretation guidelines (Richards et al. 2015 PMID: 25741868, with internal and published modifications).